The following is an entry in ClinVar:

ClinVar aggregate classification (germline): Benign/Likely benign. Review status: criteria provided, multiple submitters, no conflicts (2 of 4 stars). 10 submissions from 6 submitters: Benign (3); Likely benign (7). Last evaluated 2026-01-24.

Conditions:
GLUT1 deficiency syndrome 1, autosomal recessive. Identifiers: MedGen C3149117.
Inborn genetic diseases. Identifiers: MedGen C0950123, MeSH D030342.
Epilepsy, idiopathic generalized, susceptibility to, 12 (EIG12). Identifiers: MedGen C3553859, MONDO:0013919, OMIM 614847.
Dystonia 9 (DYT9). Also called: CHOREOATHETOSIS, KINESIGENIC, WITH EPISODIC ATAXIA AND SPASTICITY. Identifiers: Orphanet 53583, MedGen C1832855, MONDO:0010983, OMIM 601042.
Childhood onset GLUT1 deficiency syndrome 2. Also called: GLUT1 deficiency syndrome 2; Paroxysmal exercise-induced dystonia; PAROXYSMAL EXERCISE-INDUCED DYSKINESIA WITH OR WITHOUT EPILEPSY AND/OR HEMOLYTIC ANEMIA; PAROXYSMAL EXERTION-INDUCED DYSTONIA WITH OR WITHOUT EPILEPSY AND/OR HEMOLYTIC ANEMIA; PED WITH OR WITHOUT EPILEPSY AND/OR HEMOLYTIC ANEMIA; PxMD-SLC2A1. Identifiers: Orphanet 98811, MedGen C1842534, MONDO:0012805, OMIM 612126.
Encephalopathy due to GLUT1 deficiency. Also called: GLUT1 deficiency syndrome 1, infantile onset, severe; De Vivo disease; GLUT1 deficiency syndrome 1; Glucose transporter protein syndrome; Classic Glucose Transporter Type 1 Deficiency Syndrome; GLUCOSE TRANSPORT DEFECT, BLOOD-BRAIN BARRIER. Identifiers: Orphanet 71277, MedGen C4551966, MONDO:0011724, OMIM 606777.
Hereditary cryohydrocytosis with reduced stomatin. Also called: GLUT1 DEFICIENCY SYNDROME WITH PSEUDOHYPERKALEMIA AND HEMOLYSIS; Stomatin-deficient cryohydrocytosis with neurologic defects. Identifiers: Orphanet 168577, MedGen C1837206, MONDO:0012143, OMIM 608885.

Allele frequency attached by ClinVar (database versions not stated): gnomAD exomes 0.00011 and 0.00015; ExAC 0.00020; 1000 Genomes Project 0.00040; TOPMed 0.00044; gnomAD 0.00047; 1000 Genomes Project 30x 0.00062; ESP Exome Variant Server 0.00062.
gnomAD v4.1: 233 of 1,613,006 alleles (0.014%); highest among the groups gnomAD compares: African/African-American, 0.14%; no homozygotes.

Submissions (10):

Labcorp Genetics (formerly Invitae), Labcorp
Classification: Benign for GLUT1 deficiency syndrome 1, autosomal recessive. Last evaluated: 2026-01-24. Review status: criteria provided, single submitter. Criteria: Invitae Variant Classification Sherloc (09022015). Collection method: clinical testing. Allele origin: germline.

Mayo Clinic Laboratories, Mayo Clinic
Classification: Likely benign. Last evaluated: 2025-11-20. Review status: criteria provided, single submitter. Criteria: ACMG Guidelines, 2015. Collection method: clinical testing. Allele origin: germline. Observed: 3 variant alleles.
Comment: BP4, BP7

Genome-Nilou Lab
Classification: Likely benign for Epilepsy, idiopathic generalized, susceptibility to, 12. Last evaluated: 2023-04-11. Review status: criteria provided, single submitter. Criteria: ACMG Guidelines, 2015. Collection method: clinical testing. Allele origin: germline. Affected: no.

Genome-Nilou Lab
Classification: Likely benign for Dystonia 9. Last evaluated: 2023-04-11. Review status: criteria provided, single submitter. Criteria: ACMG Guidelines, 2015. Collection method: clinical testing. Allele origin: germline. Affected: no.

Genome-Nilou Lab
Classification: Likely benign for Encephalopathy due to GLUT1 deficiency. Last evaluated: 2023-04-11. Review status: criteria provided, single submitter. Criteria: ACMG Guidelines, 2015. Collection method: clinical testing. Allele origin: germline. Affected: no.

Genome-Nilou Lab
Classification: Likely benign for Childhood onset GLUT1 deficiency syndrome 2. Last evaluated: 2023-04-11. Review status: criteria provided, single submitter. Criteria: ACMG Guidelines, 2015. Collection method: clinical testing. Allele origin: germline. Affected: no.

Genome-Nilou Lab
Classification: Likely benign for Hereditary cryohydrocytosis with reduced stomatin. Last evaluated: 2023-04-11. Review status: criteria provided, single submitter. Criteria: ACMG Guidelines, 2015. Collection method: clinical testing. Allele origin: germline. Affected: no.

CeGaT Center for Human Genetics Tuebingen
Classification: Likely benign. Last evaluated: 2022-04-01. Review status: criteria provided, single submitter. Criteria: CeGaT Center For Human Genetics Tuebingen Variant Classification Criteria Version 2. Collection method: clinical testing. Allele origin: germline. Affected: yes. Observed: 1 variant allele.
Comment: SLC2A1: BP4, BP7

GeneDx
Classification: Benign. Last evaluated: 2021-10-01. Review status: criteria provided, single submitter. Criteria: GeneDx Variant Classification Process June 2021. Collection method: clinical testing. Allele origin: germline. Affected: yes.

Ambry Genetics
Classification: Benign for Inborn genetic diseases. Last evaluated: 2019-01-08. Review status: criteria provided, single submitter. Criteria: Ambry Variant Classification Scheme 2023. Collection method: clinical testing. Allele origin: germline.

NM_006516.4(SLC2A1):c.864C>T (p.Asn288=)

Gene: SLC2A1 (solute carrier family 2 member 1; minus strand). Cytogenetic location: 1p34.2.
Variant type: single nucleotide variant.
Coding change: c.864C>T on transcript NM_006516.4 (MANE Select); coding-DNA position 864, C replaced by T.
Protein change: p.Asn288=; no amino-acid change (asparagine 288 retained).
Molecular consequence: synonymous variant.
Genome position (GRCh38, 1-based): chr1:42,929,596, G>A on the plus strand (C>T on the coding strand, the complement: SLC2A1 is on the minus strand). VCF-style: chr1-42929596-G-A. GRCh37 (hg19) VCF-style: chr1-43395267-G-A.
Other names: p.Asn288=; c.864C>T (NM_006516.3).
Identifiers: ClinVar variation 378609 (VCV000378609.43), dbSNP rs150384629, ClinGen allele CA803448.